The following is an entry in ClinVar:

NM_004247.4(EFTUD2):c.1962+1G>A

Gene: EFTUD2 (elongation factor Tu GTP binding domain containing 2; minus strand). Cytogenetic location: 17q21.31.
Variant type: single nucleotide variant.
Coding change: c.1962+1G>A on transcript NM_004247.4 (MANE Select); the canonical splice donor site of the intron after coding-DNA position 1962, G replaced by A.
Molecular consequence: splice donor variant.
Genome position (GRCh38, 1-based): chr17:44,859,079, C>T on the plus strand (G>A on the coding strand, the complement: EFTUD2 is on the minus strand). VCF-style: chr17-44859079-C-T. GRCh37 (hg19) VCF-style: chr17-42936447-C-T.
Other names: c.1857+1G>A (NM_001142605.2); c.1932+1G>A (NM_001258354.2); c.1962+1G>A (NM_001258353.2).
Identifiers: ClinVar variation 852933 (VCV000852933.11), dbSNP rs1256541161, ClinGen allele CA399810615.

ClinVar aggregate classification (germline): Pathogenic/Likely pathogenic. Review status: criteria provided, multiple submitters, no conflicts (2 of 4 stars). 2 submissions from 2 submitters: Pathogenic (1); Likely pathogenic (1). Last evaluated 2026-01-19.

Submissions (2):

Labcorp Genetics (formerly Invitae), Labcorp
Classification: Pathogenic. Last evaluated: 2026-01-19. Review status: criteria provided, single submitter. Criteria: Invitae Variant Classification Sherloc (09022015). Collection method: clinical testing. Allele origin: germline.
Comment: This sequence change affects a donor splice site in intron 19 of the EFTUD2 gene. It is expected to disrupt RNA splicing. Variants that disrupt the donor or acceptor splice site typically lead to a loss of protein function (PMID: 16199547), and loss-of-function variants in EFTUD2 are known to be pathogenic (PMID: 24999515, 26507355). The frequency data for this variant in the population databases is considered unreliable, as metrics indicate poor data quality at this position in the gnomAD database. Disruption of this splice site has been observed in individuals with mandibulofacial dysostosis with microcephaly (PMID: 24470203; internal data). ClinVar contains an entry for this variant (Variation ID: 852933). Algorithms developed to predict the effect of sequence changes on RNA splicing suggest that this variant may disrupt the consensus splice site. For these reasons, this variant has been classified as Pathogenic.

GeneDx
Classification: Likely pathogenic. Last evaluated: 2024-03-06. Review status: criteria provided, single submitter. Criteria: GeneDx Variant Classification Process June 2021. Collection method: clinical testing. Allele origin: germline. Affected: yes.
Comment: Identified in a patient in published literature with mandibulofacial dysostosis, Guion-Almeida type (MFDGA); however, clinical details and segregation data were not available (PMID: 24470203); Canonical splice site variant predicted to result in an in-frame loss of the adjacent exon in a gene for which loss of function is a known mechanism of disease; This variant is associated with the following publications: (PMID: 24470203)

Literature cited by the submitters: PubMed 16199547 (cited by Labcorp Genetics (formerly Invitae), Labcorp); PubMed 24999515 (cited by Labcorp Genetics (formerly Invitae), Labcorp); PubMed 26507355 (cited by Labcorp Genetics (formerly Invitae), Labcorp); PubMed 24470203 (cited by Labcorp Genetics (formerly Invitae), Labcorp).